The following is an entry in ClinVar:

NM_001365088.1(SLC12A6):c.776del (p.Ala259fs)

Gene: SLC12A6 (solute carrier family 12 member 6; minus strand). Cytogenetic location: 15q14.
Variant type: Deletion.
Coding change: c.776del on transcript NM_001365088.1 (MANE Select); coding-DNA position 776, one base deleted (C; older notation c.776delC).
Protein change: p.Ala259fs; shifts the reading frame from alanine 259.
Molecular consequence: frameshift variant.
Genome position (GRCh38, 1-based): chr15:34,255,362, G deleted on the plus strand (C on the coding strand, the reverse complement: SLC12A6 is on the minus strand). VCF-style (leftmost placement, unchanged base first): chr15-34255361-TG-T. GRCh37 (hg19) VCF-style: chr15-34547562-TG-T.
Other names: p.Ala259Aspfs*57; c.599del, p.Ala200fs (NM_001042494.2, NM_001042495.2); c.749del, p.Ala250fs (NM_001042496.2); c.731del, p.Ala244fs (NM_001042497.2); c.623del, p.Ala208fs (NM_005135.2); c.776del, p.Ala259fs (NM_133647.2); c.776delC (NM_133647.1); short protein forms A200fs, A208fs, A244fs, A250fs, A259fs.
Identifiers: ClinVar variation 1072743 (VCV001072743.15), dbSNP rs776790336, ClinGen allele CA7464473.

ClinVar aggregate classification (germline): Pathogenic/Likely pathogenic. Review status: criteria provided, multiple submitters, no conflicts (2 of 4 stars). 7 submissions from 7 submitters: Pathogenic (4); Likely pathogenic (3). Last evaluated 2026-10-01.

Conditions:
Agenesis of the corpus callosum with peripheral neuropathy (ACCPN). Also called: Hereditary Motor and Sensory Neuropathy with Agenesis of the Corpus Callosum; CHARLEVOIX DISEASE; POLYNEUROPATHY, SENSORIMOTOR, WITH OR WITHOUT AGENESIS OF THE CORPUS CALLOSUM; HMSN/ACC. Identifiers: Orphanet 1496, MedGen C0795950, MONDO:0000902, OMIM 218000. Disease mechanism: loss of function.

Allele frequency attached by ClinVar (database versions not stated): ExAC 0.00003; gnomAD exomes 0.00005 and 0.00001; TOPMed 0.00001.

Submissions (7):

GeneDx
Classification: Pathogenic. Last evaluated: 2026-10-01. Review status: criteria provided, single submitter. Criteria: GeneDx Variant Classification Process June 2021. Collection method: clinical testing. Allele origin: germline.
Comment: Frameshift variant predicted to result in protein truncation or nonsense mediated decay in a gene for which loss of function is a known mechanism of disease; Has not been previously published as pathogenic or benign to our knowledge

Labcorp Genetics (formerly Invitae), Labcorp
Classification: Pathogenic. Last evaluated: 2025-11-05. Review status: criteria provided, single submitter. Criteria: Invitae Variant Classification Sherloc (09022015). Collection method: clinical testing. Allele origin: germline.
Comment: This sequence change creates a premature translational stop signal (p.Ala259Aspfs*57) in the SLC12A6 gene. It is expected to result in an absent or disrupted protein product. Loss-of-function variants in SLC12A6 are known to be pathogenic (PMID: 12368912, 16606917). This variant is present in population databases (rs776790336, gnomAD 0.03%). This variant has not been reported in the literature in individuals affected with SLC12A6-related conditions. ClinVar contains an entry for this variant (Variation ID: 1072743). For these reasons, this variant has been classified as Pathogenic.

Natera, Inc.
Classification: Likely pathogenic for Andermann syndrome. Last evaluated: 2025-10-29. Review status: criteria provided, single submitter. Criteria: Natera Variant Classification Schema (03/2026). Collection method: clinical testing. Allele origin: germline.
Comment: The c.776delC variant in SLC12A6 is a frameshift variant predicted to shift the reading frame beginning at codon 259 and leads to a stop codon 57 codons downstream. This variant is expected to result in nonsense mediated decay, truncation, or a dysfunctional protein product. This variant is rare in the general population with a frequency below the threshold expected for the associated phenotype(s). Given the available evidence, this variant is classified as Likely Pathogenic.

Mayo Clinic Laboratories, Mayo Clinic
Classification: Likely pathogenic. Last evaluated: 2024-06-26. Review status: criteria provided, single submitter. Criteria: ACMG Guidelines, 2015. Collection method: clinical testing. Allele origin: germline. Observed: 1 variant allele.
Comment: PM2, PVS1

3billion
Classification: Pathogenic for Agenesis of the corpus callosum with peripheral neuropathy. Last evaluated: 2024-06-18. Review status: criteria provided, single submitter. Criteria: ACMG Guidelines, 2015. Collection method: clinical testing. Allele origin: germline. Affected: yes.
Comment: The variant is observed at an extremely low frequency in the gnomAD v4.0.0 dataset (total allele frequency: <0.001%). Predicted Consequence/Location: Frameshift: predicted to result in a loss or disruption of normal protein function through nonsense-mediated decay (NMD) or protein truncation. Multiple pathogenic variants are reported downstream of the variant. The variant has been reported at least twice as pathogenic with clinical assertions and evidence for the classification (ClinVar ID: VCV001072743). Therefore, this variant is classified as Pathogenic according to the recommendation of ACMG/AMP guideline.

Baylor Genetics
Classification: Pathogenic for Agenesis of the corpus callosum with peripheral neuropathy. Last evaluated: 2024-03-16. Review status: criteria provided, single submitter. Criteria: ACMG Guidelines, 2015. Collection method: clinical testing. Allele origin: unknown.

CENTOGENE GmbH and LLC - Guiding Precision Medicine
Classification: Likely pathogenic for Agenesis of the corpus callosum with peripheral neuropathy. Last evaluated: 2019-10-18. Review status: criteria provided, single submitter. Criteria: ACMG Guidelines, 2015. Collection method: clinical testing. Allele origin: biparental. Affected: yes.

Literature cited by the submitters: PubMed 12368912 (cited by Labcorp Genetics (formerly Invitae), Labcorp and Mayo Clinic Laboratories, Mayo Clinic); PubMed 16606917 (cited by Labcorp Genetics (formerly Invitae), Labcorp and Mayo Clinic Laboratories, Mayo Clinic).